The following is an entry in ClinVar:

NM_139343.3(BIN1):c.698+56C>T

Gene: BIN1 (bridging integrator 1; minus strand). Cytogenetic location: 2q14.3.
Variant type: single nucleotide variant.
Coding change: c.698+56C>T on transcript NM_139343.3 (MANE Select); 56 bases into the intron after coding-DNA position 698, C replaced by T.
Molecular consequence: intron variant.
Genome position (GRCh38, 1-based): chr2:127,063,877, G>A on the plus strand (C>T on the coding strand, the complement: BIN1 is on the minus strand). VCF-style: chr2-127063877-G-A. GRCh37 (hg19) VCF-style: chr2-127821453-G-A.
Other names: c.617+56C>T (NM_001320642.1); c.533+56C>T (NM_001320634.1); c.605+56C>T (NM_139351.3, NM_139350.3, NM_139349.3 and 6 more transcripts); c.698+56C>T (NM_001320633.2, NM_139345.3, NM_139344.3 and 1 more transcripts).
Identifiers: ClinVar variation 678249 (VCV000678249.2), dbSNP rs78935905, ClinGen allele CA11290344.

ClinVar aggregate classification (germline): Benign. Review status: criteria provided, multiple submitters, no conflicts (2 of 4 stars). 2 submissions from 2 submitters: Benign (2). Last evaluated 2018-06-18.

Allele frequency attached by ClinVar (database versions not stated): 1000 Genomes Project 30x 0.10119; 1000 Genomes Project 0.10403; TOPMed 0.10610; gnomAD 0.10880 and 0.11019; ESP Exome Variant Server 0.11301; gnomAD exomes 0.12812.
gnomAD v4.1: 200,644 of 1,587,792 alleles (13%); highest among the groups gnomAD compares: South Asian, 20%; 13,637 homozygotes.

Submissions (2):

GeneDx
Classification: Benign. Last evaluated: 2018-06-18. Review status: criteria provided, single submitter. Criteria: GeneDx Variant Classification (06012015). Collection method: clinical testing. Allele origin: germline. Affected: yes.
Comment: This variant is considered likely benign or benign based on one or more of the following criteria: it is a conservative change, it occurs at a poorly conserved position in the protein, it is predicted to be benign by multiple in silico algorithms, and/or has population frequency not consistent with disease.

Breakthrough Genomics
Classification: Benign. Review status: criteria provided, single submitter. Criteria: ACMG Guidelines, 2015. Collection method: not provided. Allele origin: germline. Inheritance: Autosomal recessive inheritance. Affected: yes.